The following is an entry in ClinVar:

ClinVar aggregate classification (germline): Conflicting classifications of pathogenicity. Review status: criteria provided, conflicting classifications (1 of 4 stars). 3 submissions from 3 submitters: Likely pathogenic (1); Uncertain significance (1). 1 of the submissions does not count toward it. Last evaluated 2025-09-02.

Conditions:
Alkaptonuria (AKU). Also called: HOMOGENTISIC ACID OXIDASE DEFICIENCY; Homogentisic acidura; Alkaptonuric ochronosis; Alcaptonuria. Identifiers: Orphanet 56, MedGen C0002066, MONDO:0008753, OMIM 203500.
HGD-related disorders.

Submissions (3):

Women's Health and Genetics/Laboratory Corporation of America, LabCorp
Classification: Uncertain significance. Last evaluated: 2025-09-02. Review status: criteria provided, single submitter. Criteria: LabCorp Variant Classification Summary - May 2015. Collection method: clinical testing. Allele origin: germline.
Comment: Variant summary: HGD c.1007G>C (p.Arg336Thr) results in a non-conservative amino acid change located in the C-terminal domain (IPR046451) of the encoded protein sequence. Algorithms developed to predict the effect of missense changes on protein structure and function all suggest that this variant is likely to be disruptive. The variant affects the first nucleotide of exon 13. Several computational tools predict a significant impact on normal splicing: one predicts the variant abolishes the 3' acceptor site, two predict the variant weakens the 3' acceptor site, while one predicts no significant impact on splicing. However, these predictions have yet to be confirmed by functional studies. The variant was absent in 251222 control chromosomes (gnomAD). c.1007G>C has been observed in at least one homozygous individual affected with Alkaptonuria (Ascher_2019). These data indicate that the variant may be associated with disease. To our knowledge, no experimental evidence demonstrating an impact on protein function has been reported. The following publication has been ascertained in the context of this evaluation (PMID: 30737480). ClinVar contains an entry for this variant (Variation ID: 2627729). Based on the evidence outlined above, the variant was classified as VUS-possibly pathogenic.

Blueprint Genetics
Classification: Likely pathogenic for HGD-related disorders. Last evaluated: 2022-09-23. Review status: criteria provided, single submitter. Criteria: ACMG Guidelines, 2015. Collection method: clinical testing. Allele origin: germline. Affected: yes. Observed: 1 variant allele.

Department Of Human Genetics, Institute Of Clinical And Translational Research, Biomedical Research Center, Slovak Academy Of Sciences
Classification: Pathogenic for Alkaptonuria. Review status: no assertion criteria provided. Collection method: research. Allele origin: germline. Inheritance: Autosomal recessive inheritance. Affected: yes. Observed: 2 variant alleles. Not counted in ClinVar's aggregate classification.
Comment: The variant was originally described in AKU patient in PMID:30737480. It has been submitted to the HGD gene mutation database (DB-ID: AKU_00198).

Literature cited by the submitters: PubMed 30737480 (cited by Women's Health and Genetics/Laboratory Corporation of America, LabCorp and Department Of Human Genetics, Institute Of Clinical And Translational Research, Biomedical Research Center, Slovak Academy Of Sciences).

NM_000187.4(HGD):c.1007G>C (p.Arg336Thr)

Gene: HGD (homogentisate 1,2-dioxygenase; minus strand). Cytogenetic location: 3q13.33.
Variant type: single nucleotide variant.
Coding change: c.1007G>C on transcript NM_000187.4 (MANE Select); coding-DNA position 1007, G replaced by C.
Protein change: p.Arg336Thr; replaces arginine 336 with threonine.
Molecular consequence: missense variant.
Genome position (GRCh38, 1-based): chr3:120,633,328, C>G on the plus strand (G>C on the coding strand, the complement: HGD is on the minus strand). VCF-style: chr3-120633328-C-G. GRCh37 (hg19) VCF-style: chr3-120352175-C-G.
Other names: short protein forms R336T.
Identifiers: ClinVar variation 2627729 (VCV002627729.3), dbSNP rs2472652738, ClinGen allele CA354073044.